The following is an entry in ClinVar:

ClinVar aggregate classification (germline): Pathogenic/Likely pathogenic. Review status: criteria provided, multiple submitters, no conflicts (2 of 4 stars). 2 submissions from 2 submitters: Pathogenic (1); Likely pathogenic (1). Last evaluated 2024-08-29.

Conditions:
Developmental and epileptic encephalopathy, 7 (DEE7). Also called: Early infantile epileptic encephalopathy 7; KCNQ2-Related Neonatal Epileptic Encephalopathy; KCNQ2-Related Neonatal-Onset Developmental and Epileptic Encephalopathy (NEO-DEE). Identifiers: Orphanet 439218, MedGen C3150986, MONDO:0013387, OMIM 613720.
Early-infantile DEE. Also called: Ohtahara syndrome; Early infantile epileptic encephalopathy; Early infantile epileptic encephalopathy with suppression bursts. Identifiers: Orphanet 1934, MedGen C0393706, MONDO:0800491.

Submissions (2):

Labcorp Genetics (formerly Invitae), Labcorp
Classification: Pathogenic for Early-infantile DEE. Last evaluated: 2024-08-29. Review status: criteria provided, single submitter. Criteria: Invitae Variant Classification Sherloc (09022015). Collection method: clinical testing. Allele origin: germline.
Comment: This sequence change affects an acceptor splice site in intron 1 of the KCNQ2 gene. It is expected to disrupt RNA splicing. Variants that disrupt the donor or acceptor splice site typically lead to a loss of protein function (PMID: 16199547), and loss-of-function variants in KCNQ2 are known to be pathogenic (PMID: 14534157, 23692823, 27779742). This variant is not present in population databases (gnomAD no frequency). Disruption of this splice site has been observed in individual(s) with epilepsy (internal data). In at least one individual the variant was observed to be de novo. ClinVar contains an entry for this variant (Variation ID: 976136). Algorithms developed to predict the effect of sequence changes on RNA splicing suggest that this variant may disrupt the consensus splice site. For these reasons, this variant has been classified as Pathogenic.

Institute of Human Genetics, University of Leipzig Medical Center
Classification: Likely pathogenic for Developmental and epileptic encephalopathy, 7. Last evaluated: 2018-08-22. Review status: criteria provided, single submitter. Criteria: ACMG Guidelines, 2015. Collection method: clinical testing. Allele origin: germline. Affected: yes. Observed: 1 variant allele.

Literature cited by the submitters: PubMed 16199547 (cited by Labcorp Genetics (formerly Invitae), Labcorp); PubMed 14534157 (cited by Labcorp Genetics (formerly Invitae), Labcorp); PubMed 23692823 (cited by Labcorp Genetics (formerly Invitae), Labcorp); PubMed 27779742 (cited by Labcorp Genetics (formerly Invitae), Labcorp).

NM_172107.4(KCNQ2):c.297-1G>C

Gene: KCNQ2 (potassium voltage-gated channel subfamily Q member 2; minus strand). Cytogenetic location: 20q13.33.
Variant type: single nucleotide variant.
Coding change: c.297-1G>C on transcript NM_172107.4 (MANE Select); the canonical splice acceptor site of the intron before coding-DNA position 297, G replaced by C.
Molecular consequence: splice acceptor variant.
Genome position (GRCh38, 1-based): chr20:63,446,838, C>G on the plus strand (G>C on the coding strand, the complement: KCNQ2 is on the minus strand). VCF-style: chr20-63446838-C-G. GRCh37 (hg19) VCF-style: chr20-62078191-C-G.
Other names: c.297-1G>C (NM_004518.6, NM_172108.5, NM_172106.3 and 2 more transcripts).
Identifiers: ClinVar variation 976136 (VCV000976136.4), dbSNP rs2081442293, ClinGen allele CA409656595.